The following is an entry in ClinVar:

ClinVar aggregate classification (germline): Pathogenic (1 of 4 stars; one submission).

Conditions:
Bilateral congenital or childhood onset cataracts.

Submission:

North West Genomic Laboratory Hub, Manchester University NHS Foundation Trust
Classification: Pathogenic for Bilateral congenital or childhood onset cataracts. Last evaluated: 2024-04-06. Review status: criteria provided, single submitter. Criteria: ACGS Best Practice Guidelines for Variant Classification in Rare Disease 2020. Collection method: clinical testing. Allele origin: germline. Affected: yes.
Comment: PM2_Mod PVS1_VStr PS4_Supp

NM_001291867.2(NHS):c.556G>T (p.Glu186Ter)

Gene: NHS (NHS actin remodeling regulator; plus strand). Cytogenetic location: Xp22.2.
Variant type: single nucleotide variant.
Coding change: c.556G>T on transcript NM_001291867.2 (MANE Select); coding-DNA position 556, G replaced by T.
Protein change: p.Glu186Ter; replaces glutamic acid 186 with a stop codon.
Molecular consequence: nonsense.
Genome position (GRCh38, 1-based): chrX:17,376,313, G>T. VCF-style: chrX-17376313-G-T. GRCh37 (hg19) VCF-style: chrX-17394436-G-T.
Other names: c.556G>T, p.Glu186Ter (NM_198270.4); short protein forms E186*.
Identifiers: ClinVar variation 4850988 (VCV004850988.1).
Genomic context (GRCh38, chrX:17,376,313, plus strand): 5'-GCGCTGCAGGGCAAGCTCGGCGGCGTGCAGCGCGTCCTCAGCACGCTTGACCCTAAGCAG[G>T]AGGCAGTGCGTGAGTACCCGCGCCGTCCGCCCGCCAGGCTATGGGTTTCTGCGCCGCACC-3'